The following is an entry in ClinVar:

NM_144628.4(TBC1D20):c.626+576G>A

Gene: TBC1D20 (TBC1 domain family member 20; minus strand). Cytogenetic location: 20p13.
Variant type: single nucleotide variant.
Coding change: c.626+576G>A on transcript NM_144628.4 (MANE Select); 576 bases into the intron after coding-DNA position 626, G replaced by A.
Molecular consequence: intron variant.
Genome position (GRCh38, 1-based): chr20:441,012, C>T on the plus strand (G>A on the coding strand, the complement: TBC1D20 is on the minus strand). VCF-style: chr20-441012-C-T. GRCh37 (hg19) VCF-style: chr20-421656-C-T.
Identifiers: ClinVar variation 4534671 (VCV004534671.6).

ClinVar aggregate classification (germline): Likely benign (1 of 4 stars; one submission).

Submission:

CeGaT Center for Human Genetics Tuebingen
Classification: Likely benign. Last evaluated: 2025-11-01. Review status: criteria provided, single submitter. Criteria: CeGaT Center For Human Genetics Tuebingen Variant Classification Criteria Version 2. Collection method: clinical testing. Allele origin: germline. Affected: yes. Observed: 1 variant allele.
Comment: TBC1D20: BP4, BP7